The following is an entry in ClinVar:

NM_138927.4(SON):c.5891_5892delinsTT (p.Ser1964Ile)

Gene: SON (SON DNA and RNA binding protein; plus strand). Cytogenetic location: 21q22.11.
Variant type: Indel.
Coding change: c.5891_5892delinsTT on transcript NM_138927.4 (MANE Select); coding-DNA positions 5891 to 5892, GC replaced by TT.
Protein change: p.Ser1964Ile; replaces serine 1964 with isoleucine.
Molecular consequence: missense variant. On other transcripts: non-coding transcript variant (1), intron variant (1).
Genome position (GRCh38, 1-based): chr21:33,555,122-33,555,123, GC replaced by TT. VCF-style: chr21-33555122-GC-TT. GRCh37 (hg19) VCF-style: chr21-34927428-GC-TT.
Other names: c.5891_5892delinsTT, p.Ser1964Ile (NM_001291411.2, NM_032195.3); c.245-2034_245-2033delinsTT (NM_001291412.3); short protein forms S1964I.
Identifiers: ClinVar variation 1030017 (VCV001030017.1), dbSNP rs2085934599, ClinGen allele CA2386732221.

ClinVar aggregate classification (germline): Uncertain significance (1 of 4 stars; one submission).

Conditions:
ZTTK syndrome (ZTTKS). Also called: ZTTK MULTIPLE CONGENITAL ANOMALIES-MENTAL RETARDATION SYNDROME; Zhu-Tokita-Takenouchi-Kim Syndrome. Identifiers: Orphanet 500150, MedGen C4310696, MONDO:0014936, OMIM 617140.

Submission:

Baylor Genetics
Classification: Uncertain significance for ZTTK syndrome. Last evaluated: 2020-05-05. Review status: criteria provided, single submitter. Criteria: ACMG Guidelines, 2015. Collection method: clinical testing. Allele origin: unknown. Affected: yes.
Comment: This variant was determined to be of uncertain significance according to ACMG Guidelines, 2015 [PMID:25741868].